The following is an entry in ClinVar:

ClinVar aggregate classification (germline): Uncertain significance (1 of 4 stars; one submission).

Allele frequency attached by ClinVar (database versions not stated): gnomAD 0.00001; gnomAD exomes 0.00001.
gnomAD v4.1: 13 of 1,286,216 alleles (0.001%); highest among the groups gnomAD compares: Non-Finnish European, 0.0013%; no homozygotes.

Submission:

Labcorp Genetics (formerly Invitae), Labcorp
Classification: Uncertain significance. Last evaluated: 2021-12-02. Review status: criteria provided, single submitter. Criteria: Invitae Variant Classification Sherloc (09022015). Collection method: clinical testing. Allele origin: germline.
Comment: This sequence change falls in intron 5 of the TBCK gene. It does not directly change the encoded amino acid sequence of the TBCK protein. This variant is present in population databases (no rsID available, gnomAD 0.007%). This variant has not been reported in the literature in individuals affected with TBCK-related conditions. Algorithms developed to predict the effect of sequence changes on RNA splicing suggest that this variant may create or strengthen a splice site. In summary, the available evidence is currently insufficient to determine the role of this variant in disease. Therefore, it has been classified as a Variant of Uncertain Significance.

NM_001163435.3(TBCK):c.455+7A>G

Gene: TBCK (TBC1 domain containing kinase; minus strand). Cytogenetic location: 4q24.
Variant type: single nucleotide variant.
Coding change: c.455+7A>G on transcript NM_001163435.3 (MANE Select); 7 bases into the intron after coding-DNA position 455, A replaced by G.
Molecular consequence: intron variant.
Genome position (GRCh38, 1-based): chr4:106,260,430, T>C on the plus strand (A>G on the coding strand, the complement: TBCK is on the minus strand). VCF-style: chr4-106260430-T-C. GRCh37 (hg19) VCF-style: chr4-107181587-T-C.
Other names: c.455+7A>G (NM_001163436.4, NM_001163437.3); c.267-8423A>G (NM_033115.5); c.-163+7A>G (NM_001290768.2).
Identifiers: ClinVar variation 1439677 (VCV001439677.3), dbSNP rs1374181238, ClinGen allele CA553851150.